The following is an entry in ClinVar:

NM_182493.3(MYLK3):c.1349G>T (p.Ser450Ile)

Gene: MYLK3 (myosin light chain kinase 3; minus strand). Cytogenetic location: 16q11.2.
Variant type: single nucleotide variant.
Coding change: c.1349G>T on transcript NM_182493.3 (MANE Select); coding-DNA position 1349, G replaced by T.
Protein change: p.Ser450Ile; replaces serine 450 with isoleucine.
Molecular consequence: missense variant.
Genome position (GRCh38, 1-based): chr16:46,732,321, C>A on the plus strand (G>T on the coding strand, the complement: MYLK3 is on the minus strand). VCF-style: chr16-46732321-C-A. GRCh37 (hg19) VCF-style: chr16-46766233-C-A.
Other names: c.326G>T, p.Ser109Ile (NM_001308301.1); c.1349G>T (NM_182493.2); short protein forms S109I, S450I.
Identifiers: ClinVar variation 1491437 (VCV001491437.7), dbSNP rs149131914, ClinGen allele CA8038012.

ClinVar aggregate classification (germline): Uncertain significance. Review status: criteria provided, multiple submitters, no conflicts (2 of 4 stars). 2 submissions from 2 submitters: Uncertain significance (2). Last evaluated 2025-12-10.

Allele frequency attached by ClinVar (database versions not stated): gnomAD exomes 0.00004; ExAC 0.00006; ESP Exome Variant Server 0.00015; gnomAD 0.00015 and 0.00016; 1000 Genomes Project 0.00020; TOPMed 0.00022; 1000 Genomes Project 30x 0.00031.
gnomAD v4.1: 38 of 1,612,324 alleles (0.0024%); highest among the groups gnomAD compares: African/African-American, 0.032%; no homozygotes.

Submissions (2):

Labcorp Genetics (formerly Invitae), Labcorp
Classification: Uncertain significance. Last evaluated: 2025-12-10. Review status: criteria provided, single submitter. Criteria: Invitae Variant Classification Sherloc (09022015). Collection method: clinical testing. Allele origin: germline.
Comment: This sequence change replaces serine, which is neutral and polar, with isoleucine, which is neutral and non-polar, at codon 450 of the MYLK3 protein (p.Ser450Ile). This variant is present in population databases (rs149131914, gnomAD 0.04%). This variant has not been reported in the literature in individuals affected with MYLK3-related conditions. ClinVar contains an entry for this variant (Variation ID: 1491437). An algorithm developed to predict the effect of missense changes on protein structure and function (PolyPhen-2) suggests that this variant is likely to be tolerated. In summary, the available evidence is currently insufficient to determine the role of this variant in disease. Therefore, it has been classified as a Variant of Uncertain Significance.

Ambry Genetics
Classification: Uncertain significance. Last evaluated: 2023-11-28. Review status: criteria provided, single submitter. Criteria: Ambry Variant Classification Scheme 2023. Collection method: clinical testing. Allele origin: germline.